The following is an entry in ClinVar:

NM_000264.5(PTCH1):c.1239_1240insT (p.Asn414Ter)

Gene: PTCH1 (patched 1; minus strand). Cytogenetic location: 9q22.32.
Variant type: Insertion.
Coding change: c.1239_1240insT on transcript NM_000264.5 (MANE Select); coding-DNA positions 1239 to 1240, T inserted.
Protein change: p.Asn414Ter; replaces asparagine 414 with a stop codon.
Molecular consequence: nonsense. On other transcripts: non-coding transcript variant (1).
Genome position: GRCh38 VCF-style: chr9-95478162-T-TA. GRCh37 (hg19) VCF-style: chr9-98240444-T-TA.
Other names: c.786_787insT, p.Asn263Ter (NM_001083607.3, NM_001083604.3, NM_001083605.3 and 1 more transcripts); c.1239_1240insT, p.Asn414Ter (NM_001354918.2); c.1041_1042insT, p.Asn348Ter (NM_001083602.3); c.1236_1237insT, p.Asn413Ter (NM_001083603.3); short protein forms N263*, N348*, N414*, N413*.
Identifiers: ClinVar variation 5027562 (VCV005027562.1).
Genomic context (GRCh38, chr9:95,478,162, plus strand): 5'-AGGATTTCAGGATGTCGTCCAGGGTCGTGGTGGTGAAGGAAAGCACCTTTTGAGTGGAGT[T>TA]CTGTGCGACACTCTGATGAACCACCTGTGGTCACAACAGAATGCGAAATGCCCAAATGCA-3'

ClinVar aggregate classification (germline): Pathogenic (1 of 4 stars; one submission).

Conditions:
Hereditary cancer-predisposing syndrome. Also called: Neoplastic Syndromes, Hereditary; Tumor predisposition; Hereditary neoplastic syndrome; Hereditary Cancer Syndrome. Identifiers: Orphanet 140162, MedGen C0027672, MeSH D009386, MONDO:0015356.

Submission:

Ambry Genetics
Classification: Pathogenic for Hereditary cancer-predisposing syndrome. Last evaluated: 2026-09-02. Review status: criteria provided, single submitter. Criteria: Ambry Variant Classification Scheme 2023. Collection method: clinical testing. Allele origin: germline.
Comment: The c.1239_1240insT pathogenic mutation, located in coding exon 9 of the PTCH1 gene, results from an insertion of one nucleotide at position 1239, causing a translational frameshift with a predicted alternate stop codon (p.N414*). This variant was reported in individual(s) with features consistent with PTCH1-nevoid basal cell carcinoma syndrome (Ambry internal data). This variant is considered to be rare based on population cohorts in the Genome Aggregation Database (gnomAD). This alteration is expected to result in loss of function by premature protein truncation or nonsense-mediated mRNA decay. As such, this alteration is interpreted as a disease-causing mutation.